The following is an entry in ClinVar:

NM_183357.3(ADCY5):c.1007T>C (p.Ile336Thr)

Gene: ADCY5 (adenylate cyclase 5; minus strand). Cytogenetic location: 3q21.1.
Variant type: single nucleotide variant.
Coding change: c.1007T>C on transcript NM_183357.3 (MANE Select); coding-DNA position 1007, T replaced by C.
Protein change: p.Ile336Thr; replaces isoleucine 336 with threonine.
Molecular consequence: missense variant.
Genome position (GRCh38, 1-based): chr3:123,447,539, A>G on the plus strand (T>C on the coding strand, the complement: ADCY5 is on the minus strand). VCF-style: chr3-123447539-A-G. GRCh37 (hg19) VCF-style: chr3-123166386-A-G.
Other names: c.1007T>C, p.Ile336Thr (NM_001378259.1); short protein forms I336T.
Identifiers: ClinVar variation 2619225 (VCV002619225.6), dbSNP rs751723059, ClinGen allele CA2577590.

ClinVar aggregate classification (germline): Uncertain significance. Review status: criteria provided, multiple submitters, no conflicts (2 of 4 stars). 3 submissions from 3 submitters: Uncertain significance (3). Last evaluated 2024-06-16.

Conditions:
Inborn genetic diseases. Identifiers: MedGen C0950123, MeSH D030342.

Allele frequency attached by ClinVar (database versions not stated): gnomAD exomes below 0.00001; ExAC 0.00001.
gnomAD v4.1: 3 of 1,610,414 alleles (0.00019%); highest among the groups gnomAD compares: East Asian, 0.0022%; no homozygotes.

Submissions (3):

GeneDx
Classification: Uncertain significance. Last evaluated: 2024-06-16. Review status: criteria provided, single submitter. Criteria: GeneDx Variant Classification Process June 2021. Collection method: clinical testing. Allele origin: germline. Affected: yes.
Comment: In silico analysis supports that this missense variant has a deleterious effect on protein structure/function; Has not been previously published as pathogenic or benign to our knowledge

Labcorp Genetics (formerly Invitae), Labcorp
Classification: Uncertain significance. Last evaluated: 2023-10-22. Review status: criteria provided, single submitter. Criteria: Invitae Variant Classification Sherloc (09022015). Collection method: clinical testing. Allele origin: germline.
Comment: This sequence change replaces isoleucine, which is neutral and non-polar, with threonine, which is neutral and polar, at codon 336 of the ADCY5 protein (p.Ile336Thr). This variant is present in population databases (rs751723059, gnomAD 0.006%). This missense change has been observed in individual(s) with clinical features of autosomal dominant primary dystonia (Invitae). Advanced modeling of protein sequence and biophysical properties (such as structural, functional, and spatial information, amino acid conservation, physicochemical variation, residue mobility, and thermodynamic stability) has been performed at Invitae for this missense variant, however the output from this modeling did not meet the statistical confidence thresholds required to predict the impact of this variant on ADCY5 protein function. In summary, the available evidence is currently insufficient to determine the role of this variant in disease. Therefore, it has been classified as a Variant of Uncertain Significance.

Ambry Genetics
Classification: Uncertain significance for Inborn genetic diseases. Last evaluated: 2023-08-15. Review status: criteria provided, single submitter. Criteria: Ambry Variant Classification Scheme 2023. Collection method: clinical testing. Allele origin: germline.